The following is an entry in ClinVar:

NM_018136.5(ASPM):c.275_290del (p.Ser92fs)

Gene: ASPM (assembly factor for spindle microtubules; minus strand). Cytogenetic location: 1q31.3.
Variant type: Deletion.
Coding change: c.275_290del on transcript NM_018136.5 (MANE Select); coding-DNA positions 275 to 290, 16 bases deleted (CGCAGCGCTGTTTCGT).
Protein change: p.Ser92fs; shifts the reading frame from serine 92.
Molecular consequence: frameshift variant.
Genome position (GRCh38, 1-based): chr1:197,146,148-197,146,163, ACGAAACAGCGCTGCG deleted on the plus strand (CGCAGCGCTGTTTCGT on the coding strand, the reverse complement: ASPM is on the minus strand); deleting any 16 consecutive bases within chr1:197,146,148-197,146,165 gives the same sequence; the c. name uses the placement nearest the transcript's 3' end. VCF-style (leftmost placement, unchanged base first): chr1-197146147-CACGAAACAGCGCTGCG-C. GRCh37 (hg19) VCF-style: chr1-197115277-CACGAAACAGCGCTGCG-C.
Other names: c.275_290del, p.Ser92fs (NM_001206846.2); short protein forms S92fs.
Identifiers: ClinVar variation 1396776 (VCV001396776.6), dbSNP rs2125115970, ClinGen allele CA2573131463.

ClinVar aggregate classification (germline): Pathogenic (1 of 4 stars; one submission).

Submission:

Labcorp Genetics (formerly Invitae), Labcorp
Classification: Pathogenic. Last evaluated: 2024-02-24. Review status: criteria provided, single submitter. Criteria: Invitae Variant Classification Sherloc (09022015). Collection method: clinical testing. Allele origin: germline.
Comment: This sequence change creates a premature translational stop signal (p.Ser92Cysfs*22) in the ASPM gene. It is expected to result in an absent or disrupted protein product. Loss-of-function variants in ASPM are known to be pathogenic (PMID: 19028728, 23611254). This variant is not present in population databases (gnomAD no frequency). This variant has not been reported in the literature in individuals affected with ASPM-related conditions. ClinVar contains an entry for this variant (Variation ID: 1396776). For these reasons, this variant has been classified as Pathogenic.

Literature cited by the submitters: PubMed 19028728; PubMed 23611254.